The following is an entry in ClinVar:

NM_000744.7(CHRNA4):c.1114A>T (p.Ile372Phe)

Gene: CHRNA4 (cholinergic receptor nicotinic alpha 4 subunit; minus strand). Cytogenetic location: 20q13.33.
Variant type: single nucleotide variant.
Coding change: c.1114A>T on transcript NM_000744.7 (MANE Select); coding-DNA position 1114, A replaced by T.
Protein change: p.Ile372Phe; replaces isoleucine 372 with phenylalanine.
Molecular consequence: missense variant. On other transcripts: non-coding transcript variant (1).
Genome position (GRCh38, 1-based): chr20:63,350,297, T>A on the plus strand (A>T on the coding strand, the complement: CHRNA4 is on the minus strand). VCF-style: chr20-63350297-T-A. GRCh37 (hg19) VCF-style: chr20-61981649-T-A.
Other names: c.586A>T, p.Ile196Phe (NM_001256573.2); short protein forms I196F, I372F.
Identifiers: ClinVar variation 3730732 (VCV003730732.2).

ClinVar aggregate classification (germline): Uncertain significance (1 of 4 stars; one submission).

Conditions:
Familial sleep-related hypermotor epilepsy. Also called: Autosomal Dominant Sleep-Related Hypermotor (Hyperkinetic) Epilepsy. Identifiers: Orphanet 98784, MedGen C3696898, MONDO:0000030.

Submission:

Labcorp Genetics (formerly Invitae), Labcorp
Classification: Uncertain significance. Last evaluated: 2024-09-18. Review status: criteria provided, single submitter. Criteria: Invitae Variant Classification Sherloc (09022015). Collection method: clinical testing. Allele origin: germline.
Comment: This sequence change replaces isoleucine, which is neutral and non-polar, with phenylalanine, which is neutral and non-polar, at codon 372 of the CHRNA4 protein (p.Ile372Phe). This variant is not present in population databases (gnomAD no frequency). This variant has not been reported in the literature in individuals affected with CHRNA4-related conditions. Invitae Evidence Modeling of protein sequence and biophysical properties (such as structural, functional, and spatial information, amino acid conservation, physicochemical variation, residue mobility, and thermodynamic stability) indicates that this missense variant is not expected to disrupt CHRNA4 protein function with a negative predictive value of 80%. In summary, the available evidence is currently insufficient to determine the role of this variant in disease. Therefore, it has been classified as a Variant of Uncertain Significance.